The following is an entry in ClinVar:

NM_001378778.1(MPDZ):c.1831A>T (p.Asn611Tyr)

Gene: MPDZ (multiple PDZ domain crumbs cell polarity complex component; minus strand). Cytogenetic location: 9p23.
Variant type: single nucleotide variant.
Coding change: c.1831A>T on transcript NM_001378778.1 (MANE Select); coding-DNA position 1831, A replaced by T.
Protein change: p.Asn611Tyr; replaces asparagine 611 with tyrosine.
Molecular consequence: missense variant.
Genome position (GRCh38, 1-based): chr9:13,192,268, T>A on the plus strand (A>T on the coding strand, the complement: MPDZ is on the minus strand). VCF-style: chr9-13192268-T-A. GRCh37 (hg19) VCF-style: chr9-13192267-T-A.
Other names: c.1831A>T, p.Asn611Tyr (NM_003829.5, NM_001261406.2, NM_001261407.2 and 14 more transcripts); short protein forms N611Y.
Identifiers: ClinVar variation 3653687 (VCV003653687.2).

ClinVar aggregate classification (germline): Uncertain significance (1 of 4 stars; one submission).

Submission:

Labcorp Genetics (formerly Invitae), Labcorp
Classification: Uncertain significance. Last evaluated: 2024-05-17. Review status: criteria provided, single submitter. Criteria: Invitae Variant Classification Sherloc (09022015). Collection method: clinical testing. Allele origin: germline.
Comment: This sequence change replaces asparagine, which is neutral and polar, with tyrosine, which is neutral and polar, at codon 611 of the MPDZ protein (p.Asn611Tyr). This variant is not present in population databases (gnomAD no frequency). This variant has not been reported in the literature in individuals affected with MPDZ-related conditions. An algorithm developed to predict the effect of missense changes on protein structure and function (PolyPhen-2) suggests that this variant is likely to be disruptive. In summary, the available evidence is currently insufficient to determine the role of this variant in disease. Therefore, it has been classified as a Variant of Uncertain Significance.